The following is an entry in ClinVar:

NM_005475.3(SH2B3):c.577C>A (p.Pro193Thr)

Gene: SH2B3 (SH2B adaptor protein 3; plus strand). Cytogenetic location: 12q24.12.
Variant type: single nucleotide variant.
Coding change: c.577C>A on transcript NM_005475.3 (MANE Select); coding-DNA position 577, C replaced by A.
Protein change: p.Pro193Thr; replaces proline 193 with threonine.
Molecular consequence: missense variant.
Genome position (GRCh38, 1-based): chr12:111,418,722, C>A. VCF-style: chr12-111418722-C-A. GRCh37 (hg19) VCF-style: chr12-111856526-C-A.
Other names: short protein forms P193T.
Identifiers: ClinVar variation 3953524 (VCV003953524.1).
Genomic context (GRCh38, chr12:111,418,722, plus strand): 5'-CCCGCCCGGCCTGGCCTGGCCAAGAAGTTCCTGCCCTGGAGCCTGGCCCGGGAGCCGCCA[C>A]CCGAGGCGCTGAAGGAGGCGGTGCTGCGCTACAGCCTGGCCGACGAGGCCTCCATGGACA-3'
Protein context (NP_005466.1, residues 183-203): LPWSLAREPP[Pro193Thr]EALKEAVLRY

ClinVar aggregate classification (germline): Uncertain significance (1 of 4 stars; one submission).

Conditions:
Inborn genetic diseases. Identifiers: MedGen C0950123, MeSH D030342.

Submission:

Ambry Genetics
Classification: Uncertain significance for Inborn genetic diseases. Last evaluated: 2025-05-24. Review status: criteria provided, single submitter. Criteria: Ambry Variant Classification Scheme 2023. Collection method: clinical testing. Allele origin: germline.
Comment: The p.P193T variant (also known as c.577C>A), located in coding exon 1 of the SH2B3 gene, results from a C to A substitution at nucleotide position 577. The proline at codon 193 is replaced by threonine, an amino acid with highly similar properties. This amino acid position is conserved. In addition, this alteration is predicted to be tolerated by in silico analysis. Based on the available evidence, the clinical significance of this variant remains unclear.